The following is an entry in ClinVar:

NM_005562.3(LAMC2):c.3295_3298del (p.Leu1099fs)

Gene: LAMC2 (laminin subunit gamma 2; plus strand). Cytogenetic location: 1q25.3.
Variant type: Deletion.
Coding change: c.3295_3298del on transcript NM_005562.3 (MANE Select); coding-DNA positions 3295 to 3298, 4 bases deleted (CTCA; older notation c.3295_3298delCTCA).
Protein change: p.Leu1099fs; shifts the reading frame from leucine 1099.
Molecular consequence: frameshift variant.
Genome position (GRCh38, 1-based): chr1:183,240,358-183,240,361, CTCA deleted; deleting any 4 consecutive bases within chr1:183,240,356-183,240,361 gives the same sequence; the c. name uses the placement nearest the transcript's 3' end. VCF-style (leftmost placement, unchanged base first): chr1-183240355-ACACT-A. GRCh37 (hg19) VCF-style: chr1-183209490-ACACT-A.
Other names: c.3295_3298del, p.Leu1099fs (NM_018891.3); short protein forms L1099fs.
Identifiers: ClinVar variation 5004556 (VCV005004556.1).

ClinVar aggregate classification (germline): Pathogenic (1 of 4 stars; one submission).

Conditions:
Junctional epidermolysis bullosa. Identifiers: Orphanet 305, MedGen C0079301, MONDO:0017612.

Submission:

Myriad Genetics, Inc.
Classification: Pathogenic for Junctional epidermolysis bullosa. Last evaluated: 2026-04-13. Review status: criteria provided, single submitter. Criteria: Myriad Autosomal Dominant, Autosomal Recessive and X-Linked Classification Criteria (2023). Collection method: clinical testing. Allele origin: unknown.
Comment: NM_005562.2(LAMC2):c.3295_3298delCTCA(L1099Tfs*3) is a frameshift variant classified as pathogenic in the context of junctional epidermolysis bullosa, LAMC2-related. L1099Tfs*3 has not been observed in cases with relevant disease. Relevant functional assessments of this variant are not available in the literature. L1099Tfs*3 has not been observed in referenced population frequency databases. In summary, NM_005562.2(LAMC2):c.3295_3298delCTCA(L1099Tfs*3) is a frameshift variant in a gene where loss of function is a known mechanism of disease and is predicted to disrupt protein function. Please note: this variant was assessed in the context of healthy population screening.